The following is an entry in ClinVar:

ClinVar aggregate classification (germline): Benign. Review status: criteria provided, multiple submitters, no conflicts (2 of 4 stars). 4 submissions from 4 submitters: Benign (4). Last evaluated 2026-02-02.

Conditions:
Inflammatory bowel disease 28. Also called: Inflammatory bowel disease 28, early onset, autosomal recessive. Identifiers: Orphanet 238569, MedGen C2751053, MONDO:0013153, OMIM 613148.

Allele frequency attached by ClinVar (database versions not stated): gnomAD 0.03477; ESP Exome Variant Server 0.03810; TOPMed 0.03960; 1000 Genomes Project 0.04732; 1000 Genomes Project 30x 0.04966.

Submissions (4):

Labcorp Genetics (formerly Invitae), Labcorp
Classification: Benign for Inflammatory bowel disease 28. Last evaluated: 2026-02-02. Review status: criteria provided, single submitter. Criteria: Invitae Variant Classification Sherloc (09022015). Collection method: clinical testing. Allele origin: germline.

Mayo Clinic Laboratories, Mayo Clinic
Classification: Benign. Last evaluated: 2018-08-08. Review status: criteria provided, single submitter. Criteria: ACMG Guidelines, 2015. Collection method: clinical testing. Allele origin: germline. Observed: 36 variant alleles.

Illumina Laboratory Services, Illumina
Classification: Benign for Inflammatory bowel disease 28. Last evaluated: 2018-01-13. Review status: criteria provided, single submitter. Criteria: ICSL Variant Classification Criteria 13 December 2019. Collection method: clinical testing. Allele origin: germline.
Comment: This variant was observed in the ICSL laboratory as part of a predisposition screen in an ostensibly healthy population. It had not been previously curated by ICSL or reported in the Human Gene Mutation Database (HGMD: prior to June 1st, 2018), and was therefore a candidate for classification through an automated scoring system. Utilizing variant allele frequency, disease prevalence and penetrance estimates, and inheritance mode, an automated score was calculated to assess if this variant is too frequent to cause the disease. Based on the score and internal cut-off values, a variant classified as benign is not then subjected to further curation. The score for this variant resulted in a classification of benign for this disease.

Breakthrough Genomics
Classification: Benign. Review status: criteria provided, single submitter. Criteria: ACMG Guidelines, 2015. Collection method: not provided. Allele origin: germline. Inheritance: Autosomal recessive inheritance. Affected: yes.

NM_001558.4(IL10RA):c.972C>T (p.Thr324=)

Gene: IL10RA (interleukin 10 receptor subunit alpha; plus strand). Cytogenetic location: 11q23.3.
Variant type: single nucleotide variant.
Coding change: c.972C>T on transcript NM_001558.4 (MANE Select); coding-DNA position 972, C replaced by T.
Protein change: p.Thr324=; no amino-acid change (threonine 324 retained).
Molecular consequence: synonymous variant. On other transcripts: non-coding transcript variant (1).
Genome position (GRCh38, 1-based): chr11:117,998,876, C>T. VCF-style: chr11-117998876-C-T. GRCh37 (hg19) VCF-style: chr11-117869591-C-T.
Other names: p.Thr324=.
Identifiers: ClinVar variation 302553 (VCV000302553.16), dbSNP rs2229115, ClinGen allele CA6299097.